The following is an entry in ClinVar:

NM_006514.4(SCN10A):c.3425G>A (p.Arg1142His)

Genes: SCN10A (sodium voltage-gated channel alpha subunit 10; minus strand), LOC110121288 (VISTA enhancer hs2268; plus strand). Cytogenetic location: 3p22.2.
Variant type: single nucleotide variant.
Coding change: c.3425G>A on transcript NM_006514.4 (MANE Select); coding-DNA position 3425, G replaced by A.
Protein change: p.Arg1142His; replaces arginine 1142 with histidine.
Molecular consequence: missense variant.
Genome position (GRCh38, 1-based): chr3:38,722,340, C>T on the plus strand (G>A on the coding strand, the complement: SCN10A is on the minus strand). VCF-style: chr3-38722340-C-T. GRCh37 (hg19) VCF-style: chr3-38763831-C-T.
Other names: c.3422G>A, p.Arg1141His (NM_001293306.2); c.3131G>A, p.Arg1044His (NM_001293307.2); short protein forms R1044H, R1141H, R1142H.
Identifiers: ClinVar variation 1306032 (VCV001306032.13), dbSNP rs200584416, ClinGen allele CA2320237.

ClinVar aggregate classification (germline): Conflicting classifications of pathogenicity. Review status: criteria provided, conflicting classifications (1 of 4 stars). 4 submissions from 4 submitters: Uncertain significance (3); Likely benign (1). Last evaluated 2025-12-15.

Conditions:
Brugada syndrome. Also called: Sudden unexplained nocturnal death syndrome; Sudden unexpected nocturnal death syndrome; Sudden Unexplained Death Syndrome; Sudden Unexplained Nocturnal Death Syndrome (SUNDS). Identifiers: Orphanet 130, MedGen C1142166, MONDO:0015263.
Cardiovascular phenotype. Identifiers: MedGen CN230736.

Allele frequency attached by ClinVar (database versions not stated): ExAC 0.00004; gnomAD exomes 0.00004; gnomAD 0.00006 and 0.00007; TOPMed 0.00008; 1000 Genomes Project 0.00040; 1000 Genomes Project 30x 0.00047.
gnomAD v4.1: 27 of 1,614,052 alleles (0.0017%); highest among the groups gnomAD compares: African/African-American, 0.016%; no homozygotes.

Submissions (4):

Labcorp Genetics (formerly Invitae), Labcorp
Classification: Uncertain significance for Brugada syndrome. Last evaluated: 2025-12-15. Review status: criteria provided, single submitter. Criteria: Invitae Variant Classification Sherloc (09022015). Collection method: clinical testing. Allele origin: germline.
Comment: This sequence change replaces arginine, which is basic and polar, with histidine, which is basic and polar, at codon 1142 of the SCN10A protein (p.Arg1142His). This variant is present in population databases (rs200584416, gnomAD 0.02%). This variant has not been reported in the literature in individuals affected with SCN10A-related conditions. ClinVar contains an entry for this variant (Variation ID: 1306032). Invitae Evidence Modeling of protein sequence and biophysical properties (such as structural, functional, and spatial information, amino acid conservation, physicochemical variation, residue mobility, and thermodynamic stability) indicates that this missense variant is expected to disrupt SCN10A protein function with a positive predictive value of 80%. In summary, the available evidence is currently insufficient to determine the role of this variant in disease. Therefore, it has been classified as a Variant of Uncertain Significance.

GeneDx
Classification: Uncertain significance. Last evaluated: 2025-10-13. Review status: criteria provided, single submitter. Criteria: GeneDx Variant Classification Process June 2021. Collection method: clinical testing. Allele origin: germline. Affected: yes.
Comment: Has not been previously published as pathogenic or benign to our knowledge; In silico analysis supports that this missense variant has a deleterious effect on protein structure/function

Women's Health and Genetics/Laboratory Corporation of America, LabCorp
Classification: Uncertain significance. Last evaluated: 2024-10-15. Review status: criteria provided, single submitter. Criteria: LabCorp Variant Classification Summary - May 2015. Collection method: clinical testing. Allele origin: germline.
Comment: Variant summary: SCN10A c.3425G>A (p.Arg1142His) results in a non-conservative amino acid change located in the Sodium ion transport-associated domain (IPR010526) of the encoded protein sequence. Five of five in-silico tools predict a damaging effect of the variant on protein function. The variant allele was found at a frequency of 1.7e-05 in 1614052 control chromosomes, predominantly in the African or African American subpopulation at a frequency of 0.00016 in 75004 control chromosomes (gnomAD v4). Although this frequency is not significantly higher than estimated for a pathogenic variant in SCN10A causing SCN10A-Related Disorders, this data suggests the variant may be benign. To our knowledge, no occurrence of c.3425G>A in individuals affected with SCN10A-Related Disorders and no experimental evidence demonstrating its impact on protein function have been reported. ClinVar contains an entry for this variant (Variation ID: 1306032). Based on the evidence outlined above, the variant was classified as VUS-possibly benign.

Ambry Genetics
Classification: Likely benign for Cardiovascular phenotype. Last evaluated: 2022-06-10. Review status: criteria provided, single submitter. Criteria: Ambry Variant Classification Scheme 2023. Collection method: clinical testing. Allele origin: germline.